The following is an entry in ClinVar:

NM_005334.3(HCFC1):c.3459T>C (p.Thr1153=)

Gene: HCFC1 (host cell factor C1; minus strand). Cytogenetic location: Xq28.
Variant type: single nucleotide variant.
Coding change: c.3459T>C on transcript NM_005334.3 (MANE Select); coding-DNA position 3459, T replaced by C.
Protein change: p.Thr1153=; no amino-acid change (threonine 1153 retained).
Molecular consequence: synonymous variant.
Genome position (GRCh38, 1-based): chrX:153,954,940, A>G on the plus strand (T>C on the coding strand, the complement: HCFC1 is on the minus strand). VCF-style: chrX-153954940-A-G. GRCh37 (hg19) VCF-style: chrX-153220391-A-G.
Identifiers: ClinVar variation 745019 (VCV000745019.12), dbSNP rs1259347673, ClinGen allele CA519702298.

ClinVar aggregate classification (germline): Likely benign. Review status: criteria provided, multiple submitters, no conflicts (2 of 4 stars). 2 submissions from 2 submitters: Likely benign (2). Last evaluated 2026-09-01.

Conditions:
Methylmalonic acidemia with homocystinuria, type cblX (MAHCX). Also called: INTELLECTUAL DEVELOPMENTAL DISORDER, X-LINKED 3. Identifiers: Orphanet 369962, MedGen C0796208, MONDO:0010657, OMIM 309541.

Allele frequency attached by ClinVar (database versions not stated): gnomAD exomes 0.00003 and 0.00013; gnomAD 0.00023; TOPMed 0.00042.
gnomAD v4.1: 57 of 1,193,281 alleles (0.0048%); highest among the groups gnomAD compares: Admixed American, 0.12%; no homozygotes.

Submissions (2):

CeGaT Center for Human Genetics Tuebingen
Classification: Likely benign. Last evaluated: 2026-09-01. Review status: criteria provided, single submitter. Criteria: CeGaT Center For Human Genetics Tuebingen Variant Classification Criteria Version 2. Collection method: clinical testing. Allele origin: germline. Affected: yes. Observed: 1 variant allele.
Comment: HCFC1: BP4, BP7, BS2

Labcorp Genetics (formerly Invitae), Labcorp
Classification: Likely benign for Methylmalonic acidemia with homocystinuria, type cblX. Last evaluated: 2025-12-30. Review status: criteria provided, single submitter. Criteria: Invitae Variant Classification Sherloc (09022015). Collection method: clinical testing. Allele origin: germline.